The following is an entry in ClinVar:

NM_013275.6(ANKRD11):c.3868C>T (p.His1290Tyr)

Gene: ANKRD11 (ankyrin repeat domain 11; minus strand). Cytogenetic location: 16q24.3.
Variant type: single nucleotide variant.
Coding change: c.3868C>T on transcript NM_013275.6 (MANE Select); coding-DNA position 3868, C replaced by T.
Protein change: p.His1290Tyr; replaces histidine 1290 with tyrosine.
Molecular consequence: missense variant.
Genome position (GRCh38, 1-based): chr16:89,282,674, G>A on the plus strand (C>T on the coding strand, the complement: ANKRD11 is on the minus strand). VCF-style: chr16-89282674-G-A. GRCh37 (hg19) VCF-style: chr16-89349082-G-A.
Other names: c.3868C>T, p.His1290Tyr (NM_001256182.2, NM_001256183.2); short protein forms H1290Y.
Identifiers: ClinVar variation 2201411 (VCV002201411.7), dbSNP rs1009113659, ClinGen allele CA286516870.

ClinVar aggregate classification (germline): Uncertain significance. Review status: criteria provided, multiple submitters, no conflicts (2 of 4 stars). 2 submissions from 2 submitters: Uncertain significance (2). Last evaluated 2025-08-11.

Conditions:
KBG syndrome (KBGS). Also called: ANKRD11-Related KBG Syndrome. Identifiers: Orphanet 2332, MedGen C0220687, MONDO:0007846, OMIM 148050.

gnomAD v4.1: 6 of 1,614,084 alleles (0.00037%); highest among the groups gnomAD compares: East Asian, 0.0067%; no homozygotes.

Submissions (2):

Labcorp Genetics (formerly Invitae), Labcorp
Classification: Uncertain significance for KBG syndrome. Last evaluated: 2025-08-11. Review status: criteria provided, single submitter. Criteria: Invitae Variant Classification Sherloc (09022015). Collection method: clinical testing. Allele origin: germline.
Comment: This sequence change replaces histidine, which is basic and polar, with tyrosine, which is neutral and polar, at codon 1290 of the ANKRD11 protein (p.His1290Tyr). This variant is not present in population databases (gnomAD no frequency). This variant has not been reported in the literature in individuals affected with ANKRD11-related conditions. ClinVar contains an entry for this variant (Variation ID: 2201411). Invitae Evidence Modeling of protein sequence and biophysical properties (such as structural, functional, and spatial information, amino acid conservation, physicochemical variation, residue mobility, and thermodynamic stability) indicates that this missense variant is not expected to disrupt ANKRD11 protein function with a negative predictive value of 95%. In summary, the available evidence is currently insufficient to determine the role of this variant in disease. Therefore, it has been classified as a Variant of Uncertain Significance.

Revvity Omics, Revvity
Classification: Uncertain significance for KBG syndrome. Last evaluated: 2022-11-18. Review status: criteria provided, single submitter. Criteria: ACMG Guidelines, 2015. Collection method: clinical testing. Allele origin: germline.